The following is an entry in ClinVar:

NM_005188.4(CBL):c.1396A>G (p.Thr466Ala)

Gene: CBL (Cbl proto-oncogene; plus strand). Cytogenetic location: 11q23.3.
Variant type: single nucleotide variant.
Coding change: c.1396A>G on transcript NM_005188.4 (MANE Select); coding-DNA position 1396, A replaced by G.
Protein change: p.Thr466Ala; replaces threonine 466 with alanine.
Molecular consequence: missense variant.
Genome position (GRCh38, 1-based): chr11:119,278,678, A>G. VCF-style: chr11-119278678-A-G. GRCh37 (hg19) VCF-style: chr11-119149388-A-G.
Other names: short protein forms T466A.
Identifiers: ClinVar variation 3634391 (VCV003634391.2).

ClinVar aggregate classification (germline): Uncertain significance (1 of 4 stars; one submission).

Conditions:
RASopathy. Also called: rasopathies; Noonan spectrum disorder. Identifiers: Orphanet 536391, MedGen C5555857, MONDO:0021060.

Submission:

Labcorp Genetics (formerly Invitae), Labcorp
Classification: Uncertain significance for RASopathy. Last evaluated: 2024-08-08. Review status: criteria provided, single submitter. Criteria: Invitae Variant Classification Sherloc (09022015). Collection method: clinical testing. Allele origin: germline.
Comment: This sequence change replaces threonine, which is neutral and polar, with alanine, which is neutral and non-polar, at codon 466 of the CBL protein (p.Thr466Ala). This variant is not present in population databases (gnomAD no frequency). This variant has not been reported in the literature in individuals affected with CBL-related conditions. Advanced modeling of protein sequence and biophysical properties (such as structural, functional, and spatial information, amino acid conservation, physicochemical variation, residue mobility, and thermodynamic stability) performed at Invitae indicates that this missense variant is not expected to disrupt CBL protein function with a negative predictive value of 95%. In summary, the available evidence is currently insufficient to determine the role of this variant in disease. Therefore, it has been classified as a Variant of Uncertain Significance.